The following is an entry in ClinVar:

NM_002488.4(NDUFA2):c.-50G>A

Genes: NDUFA2 (NADH:ubiquinone oxidoreductase subunit A2; minus strand), TMCO6 (transmembrane and coiled-coil domains 6; plus strand). Cytogenetic location: 5q31.3.
Variant type: single nucleotide variant.
Coding change: c.-50G>A on transcript NM_002488.4; 50 bases upstream of the start codon, G replaced by A.
Genome position (GRCh38, 1-based): chr5:140,647,633, C>T on the plus strand (G>A on the coding strand, the complement: NDUFA2 is on the minus strand). VCF-style: chr5-140647633-C-T. GRCh37 (hg19) VCF-style: chr5-140027218-C-T.
Identifiers: ClinVar variation 351227 (VCV000351227.7), dbSNP rs143857164, ClinGen allele CA3442590.

ClinVar aggregate classification (germline): Conflicting classifications of pathogenicity. Review status: criteria provided, conflicting classifications (1 of 4 stars). 2 submissions from 2 submitters: Uncertain significance (1); Likely benign (1). Last evaluated 2018-01-13.

Conditions:
Mitochondrial complex I deficiency, nuclear type 1. Also called: NADH-COENZYME Q REDUCTASE DEFICIENCY; MITOCHONDRIAL NADH DEHYDROGENASE COMPONENT OF COMPLEX I, DEFICIENCY OF. Identifiers: MedGen C6022305, MONDO:0100224, OMIM 252010.

Allele frequency attached by ClinVar (database versions not stated): ESP Exome Variant Server 0.00200; 1000 Genomes Project 0.00100; ExAC 0.00069; gnomAD 0.00135 and 0.00125; TOPMed 0.00140; 1000 Genomes Project 30x 0.00094.
gnomAD v4.1: 399 of 1,586,962 alleles (0.025%); highest among the groups gnomAD compares: African/African-American, 0.46%; 1 homozygote.

Submissions (2):

Illumina Laboratory Services, Illumina
Classification: Uncertain significance for Mitochondrial complex I deficiency, nuclear type 1. Last evaluated: 2018-01-13. Review status: criteria provided, single submitter. Criteria: ICSL Variant Classification Criteria 13 December 2019. Collection method: clinical testing. Allele origin: germline.

GeneDx
Classification: Likely benign. Last evaluated: 2018-01-04. Review status: criteria provided, single submitter. Criteria: GeneDx Variant Classification (06012015). Collection method: clinical testing. Allele origin: germline. Affected: yes.
Comment: This variant is considered likely benign or benign based on one or more of the following criteria: it is a conservative change, it occurs at a poorly conserved position in the protein, it is predicted to be benign by multiple in silico algorithms, and/or has population frequency not consistent with disease.